The following is an entry in ClinVar:

ClinVar aggregate classification (germline): Uncertain significance. Review status: criteria provided, multiple submitters, no conflicts (2 of 4 stars). 3 submissions from 3 submitters: Uncertain significance (3). Last evaluated 2023-10-01.

Conditions:
Cardiovascular phenotype. Identifiers: MedGen CN230736.
Long QT syndrome (LQTS). Identifiers: MedGen C0023976, MeSH D008133, MONDO:0002442. Disease mechanism: loss of function. Inheritance: Various modes of inheritance.

Allele frequency attached by ClinVar (database versions not stated): gnomAD 0.00003; ESP Exome Variant Server 0.00015.
gnomAD v4.1: 36 of 1,611,980 alleles (0.0022%); highest among the groups gnomAD compares: African/African-American, 0.0027%; no homozygotes.

Submissions (3):

Ambry Genetics
Classification: Uncertain significance for Cardiovascular phenotype. Last evaluated: 2023-10-01. Review status: criteria provided, single submitter. Criteria: Ambry Variant Classification Scheme 2023. Collection method: clinical testing. Allele origin: germline.
Comment: The p.A1727V variant (also known as c.5180C>T), located in coding exon 21 of the AKAP9 gene, results from a C to T substitution at nucleotide position 5180. The alanine at codon 1727 is replaced by valine, an amino acid with similar properties. This amino acid position is conserved. In addition, this alteration is predicted to be tolerated by in silico analysis. Since supporting evidence is limited at this time, the clinical significance of this alteration remains unclear.

Labcorp Genetics (formerly Invitae), Labcorp
Classification: Uncertain significance for Long QT syndrome. Last evaluated: 2023-04-26. Review status: criteria provided, single submitter. Criteria: Invitae Variant Classification Sherloc (09022015). Collection method: clinical testing. Allele origin: germline.
Comment: In summary, the available evidence is currently insufficient to determine the role of this variant in disease. Therefore, it has been classified as a Variant of Uncertain Significance. An algorithm developed to predict the effect of missense changes on protein structure and function (PolyPhen-2) suggests that this variant is likely to be disruptive. ClinVar contains an entry for this variant (Variation ID: 1448727). This variant has not been reported in the literature in individuals affected with AKAP9-related conditions. This variant is present in population databases (rs369047678, gnomAD 0.006%). This sequence change replaces alanine, which is neutral and non-polar, with valine, which is neutral and non-polar, at codon 1727 of the AKAP9 protein (p.Ala1727Val).

GeneDx
Classification: Uncertain significance. Last evaluated: 2022-10-19. Review status: criteria provided, single submitter. Criteria: GeneDx Variant Classification Process June 2021. Collection method: clinical testing. Allele origin: germline. Affected: yes.
Comment: In silico analysis supports that this missense variant has a deleterious effect on protein structure/function; Has not been previously published as pathogenic or benign to our knowledge

NM_005751.5(AKAP9):c.5180C>T (p.Ala1727Val)

Gene: AKAP9 (A-kinase anchoring protein 9; plus strand). Cytogenetic location: 7q21.2.
Variant type: single nucleotide variant.
Coding change: c.5180C>T on transcript NM_005751.5 (MANE Select); coding-DNA position 5180, C replaced by T.
Protein change: p.Ala1727Val; replaces alanine 1727 with valine.
Molecular consequence: missense variant.
Genome position (GRCh38, 1-based): chr7:92,045,025, C>T. VCF-style: chr7-92045025-C-T. GRCh37 (hg19) VCF-style: chr7-91674339-C-T.
Other names: c.5180C>T, p.Ala1727Val (NM_147185.3); c.5180C>T (NM_005751.4); short protein forms A1727V.
Identifiers: ClinVar variation 1448727 (VCV001448727.9), dbSNP rs369047678, ClinGen allele CA4336750.
Genomic context (GRCh38, chr7:92,045,025, plus strand): 5'-AAAAATATTAAACATTTTAATCAGTGCTTCTTTATCTATACAGGTATGCACTCCAGAAAG[C>T]TAATAATAGACTTTTGAAGATCCTCTTAGAAGTTGTAAAGACAACAGCAGCTGTTGAAGA-3'
Protein context (NP_005742.4, residues 1717-1737): LSNERYALQK[Ala1727Val]NNRLLKILLE